The following is an entry in ClinVar:

ClinVar aggregate classification (germline): Uncertain significance (1 of 4 stars; one submission).

Submission:

Labcorp Genetics (formerly Invitae), Labcorp
Classification: Uncertain significance. Last evaluated: 2022-01-21. Review status: criteria provided, single submitter. Criteria: Invitae Variant Classification Sherloc (09022015). Collection method: clinical testing. Allele origin: germline.
Comment: This sequence change falls in intron 21 of the USH2A gene. It does not directly change the encoded amino acid sequence of the USH2A protein. It affects a nucleotide within the consensus splice site. This variant is not present in population databases (gnomAD no frequency). This variant has been observed in individual(s) with retinitis pigmentosa (Invitae). Variants that disrupt the consensus splice site are a relatively common cause of aberrant splicing (PMID: 17576681, 9536098). Algorithms developed to predict the effect of sequence changes on RNA splicing suggest that this variant may disrupt the consensus splice site. In summary, the available evidence is currently insufficient to determine the role of this variant in disease. Therefore, it has been classified as a Variant of Uncertain Significance.

Literature cited by the submitters: PubMed 17576681; PubMed 9536098.

NM_206933.4(USH2A):c.4627+5G>A

Gene: USH2A (usherin; minus strand). Cytogenetic location: 1q41.
Variant type: single nucleotide variant.
Coding change: c.4627+5G>A on transcript NM_206933.4 (MANE Select); 5 bases into the intron after coding-DNA position 4627, G replaced by A.
Molecular consequence: intron variant. On other transcripts: synonymous variant (1).
Genome position (GRCh38, 1-based): chr1:216,175,247, C>T on the plus strand (G>A on the coding strand, the complement: USH2A is on the minus strand). VCF-style: chr1-216175247-C-T. GRCh37 (hg19) VCF-style: chr1-216348589-C-T.
Other names: c.4632G>A, p.Lys1544= (NM_007123.6).
Identifiers: ClinVar variation 2088471 (VCV002088471.4), dbSNP rs2527987050, ClinGen allele CA2580062107.